The following is an entry in ClinVar:

NM_203408.4(FAM47A):c.2196T>C (p.Asp732=)

Gene: FAM47A (family with sequence similarity 47 member A; minus strand). Cytogenetic location: Xp21.1.
Variant type: single nucleotide variant.
Coding change: c.2196T>C on transcript NM_203408.4 (MANE Select); coding-DNA position 2196, T replaced by C.
Protein change: p.Asp732=; no amino-acid change (aspartic acid 732 retained).
Molecular consequence: synonymous variant.
Genome position (GRCh38, 1-based): chrX:34,130,083, A>G on the plus strand (T>C on the coding strand, the complement: FAM47A is on the minus strand). VCF-style: chrX-34130083-A-G. GRCh37 (hg19) VCF-style: chrX-34148200-A-G.
Identifiers: ClinVar variation 2660252 (VCV002660252.24), dbSNP rs773080823, ClinGen allele CA10380336.
Genomic context (GRCh38, chrX:34,130,083, plus strand): 5'-GCCAGGCATTTCATAGCCCTTGCTTAGAATGAAATCCTTAAAGGCAATTGGTCCATAAAG[A>G]TCGTCAAGAACGTCAGGTTCATCAGGCTTTTTAAGTAAGAGCTTGGGGTCAATCAAAGGT-3'
Protein context (NP_981953.2, residues 722-742): KKPDEPDVLD[Asp732=]LYGPIAFKDF

ClinVar aggregate classification (germline): Likely benign (1 of 4 stars; one submission).

Allele frequency attached by ClinVar (database versions not stated): gnomAD exomes below 0.00001; ExAC 0.00001.

Submission:

CeGaT Center for Human Genetics Tuebingen
Classification: Likely benign. Last evaluated: 2023-01-01. Review status: criteria provided, single submitter. Criteria: CeGaT Center For Human Genetics Tuebingen Variant Classification Criteria Version 2. Collection method: clinical testing. Allele origin: germline. Affected: yes. Observed: 1 variant allele.
Comment: FAM47A: BP4, BP7